The following is an entry in ClinVar:

NM_001429.4(EP300):c.3261+4_3261+7del

Gene: EP300 (EP300 lysine acetyltransferase; plus strand). Cytogenetic location: 22q13.2.
Variant type: Deletion.
Coding change: c.3261+4_3261+7del on transcript NM_001429.4 (MANE Select); bases 4 to 7 of the intron after coding-DNA position 3261, 4 bases deleted (AGTA; older notation c.3261+4_3261+7delAGTA).
Molecular consequence: splice donor variant.
Genome position (GRCh38, 1-based): chr22:41,155,117-41,155,120, AGTA deleted; deleting any 4 consecutive bases within chr22:41,155,114-41,155,120 gives the same sequence; the c. name uses the placement nearest the transcript's 3' end. VCF-style (leftmost placement, unchanged base first): chr22-41155113-TGTAA-T. GRCh37 (hg19) VCF-style: chr22-41551117-TGTAA-T.
Other names: c.3183+4_3183+7del (NM_001362843.2).
Identifiers: ClinVar variation 5038069 (VCV005038069.1).

ClinVar aggregate classification (germline): Uncertain significance (1 of 4 stars; one submission).

Conditions:
Rubinstein-Taybi syndrome due to EP300 haploinsufficiency. Also called: EP300-Related Rubinstein-Taybi Syndrome; RUBINSTEIN-TAYBI SYNDROME 2. Identifiers: Orphanet 353284, Orphanet 783, MedGen C3150941, MONDO:0013364, OMIM 613684.

Submission:

MVZ Medizinische Genetik Mainz
Classification: Uncertain significance for Rubinstein-Taybi syndrome due to EP300 haploinsufficiency. Last evaluated: 2026-09-15. Review status: criteria provided, single submitter. Criteria: UK Practice Guidelines For Variant Classification V4 01 2020. Collection method: clinical testing. Allele origin: germline. Inheritance: Autosomal dominant inheritance. Affected: yes. Observed: 1 variant allele.
Comment: ACMG Criteria: PM2_SUP,PP3